The following is an entry in ClinVar:

NM_001134831.2(AHI1):c.166_167del (p.Met56fs)

Gene: AHI1 (Abelson helper integration site 1; minus strand). Cytogenetic location: 6q23.3.
Variant type: Microsatellite.
Coding change: c.166_167del on transcript NM_001134831.2 (MANE Select); coding-DNA positions 166 to 167, 2 bases deleted (AT; older notation c.166_167delAT).
Protein change: p.Met56fs; shifts the reading frame from methionine 56.
Molecular consequence: frameshift variant.
Genome position (GRCh38, 1-based): chr6:135,467,603-135,467,604, AT deleted on the plus strand (AT on the coding strand, the reverse complement: AHI1 is on the minus strand); deleting any 2 consecutive bases within chr6:135,467,603-135,467,607 gives the same sequence; the c. name uses the placement nearest the transcript's 3' end. VCF-style (leftmost placement, unchanged base first): chr6-135467602-CAT-C. GRCh37 (hg19) VCF-style: chr6-135788740-CAT-C.
Other names: c.166_167del, p.Met56fs (NM_001134830.2, NM_001134832.2, NM_001350503.2 and 2 more transcripts); short protein forms M56fs.
Identifiers: ClinVar variation 1430970 (VCV001430970.6), dbSNP rs2128100863, ClinGen allele CA2580615779.

ClinVar aggregate classification (germline): Pathogenic (1 of 4 stars; one submission).

Conditions:
Joubert syndrome. Also called: CEREBELLOPARENCHYMAL DISORDER IV; JOUBERT-BOLTSHAUSER SYNDROME; Familial aplasia of the vermis. Identifiers: Orphanet 475, MedGen C5979921, MONDO:0018772.

Submission:

Labcorp Genetics (formerly Invitae), Labcorp
Classification: Pathogenic for Joubert syndrome. Last evaluated: 2023-05-10. Review status: criteria provided, single submitter. Criteria: Invitae Variant Classification Sherloc (09022015). Collection method: clinical testing. Allele origin: germline.
Comment: This sequence change creates a premature translational stop signal (p.Met56Glufs*6) in the AHI1 gene. It is expected to result in an absent or disrupted protein product. Loss-of-function variants in AHI1 are known to be pathogenic (PMID: 15322546, 16453322, 28442542, 29186038). This variant is not present in population databases (gnomAD no frequency). For these reasons, this variant has been classified as Pathogenic. This variant has not been reported in the literature in individuals affected with AHI1-related conditions.

Literature cited by the submitters: PubMed 15322546; PubMed 16453322; PubMed 28442542; PubMed 29186038.